The following is an entry in ClinVar:

NM_001111.5(ADAR):c.3487C>T (p.Leu1163Phe)

Gene: ADAR (adenosine deaminase RNA specific; minus strand). Cytogenetic location: 1q21.3.
Variant type: single nucleotide variant.
Coding change: c.3487C>T on transcript NM_001111.5 (MANE Select); coding-DNA position 3487, C replaced by T.
Protein change: p.Leu1163Phe; replaces leucine 1163 with phenylalanine.
Molecular consequence: missense variant.
Genome position (GRCh38, 1-based): chr1:154,585,000, G>A on the plus strand (C>T on the coding strand, the complement: ADAR is on the minus strand). VCF-style: chr1-154585000-G-A. GRCh37 (hg19) VCF-style: chr1-154557476-G-A.
Other names: c.2602C>T, p.Leu868Phe (NM_001025107.3, NM_001193495.2, NM_001365046.1 and 2 more transcripts); c.3514C>T, p.Leu1172Phe (NM_001365045.1); c.2524C>T, p.Leu842Phe (NM_001365049.1); c.3409C>T, p.Leu1137Phe (NM_015840.4); c.3352C>T, p.Leu1118Phe (NM_015841.4); short protein forms L1118F, L1163F, L1172F, L868F, L1137F, L842F.
Identifiers: ClinVar variation 2953804 (VCV002953804.3), dbSNP rs2526445752, ClinGen allele CA342634850.

ClinVar aggregate classification (germline): Uncertain significance (1 of 4 stars; one submission).

Conditions:
Symmetrical dyschromatosis of extremities (DSH). Also called: RETICULATE ACROPIGMENTATION OF DOHI; DYSCHROMATOSIS SYMMETRICA HEREDITARIA 1; SYMMETRIC DYSCHROMATOSIS OF THE EXTREMITIES; Dyschromatosis symmetrica hereditaria. Identifiers: Orphanet 41, MedGen C0406775, MONDO:0007483, OMIM 127400.
Aicardi-Goutieres syndrome 6 (AGS6). Identifiers: Orphanet 51, MedGen C3539013, MONDO:0014007, OMIM 615010.

Allele frequency attached by ClinVar (database versions not stated): gnomAD exomes below 0.00001.

Submission:

Labcorp Genetics (formerly Invitae), Labcorp
Classification: Uncertain significance for Aicardi-Goutieres syndrome 6; Symmetrical dyschromatosis of extremities. Last evaluated: 2023-12-09. Review status: criteria provided, single submitter. Criteria: Invitae Variant Classification Sherloc (09022015). Collection method: clinical testing. Allele origin: germline.
Comment: This sequence change replaces leucine, which is neutral and non-polar, with phenylalanine, which is neutral and non-polar, at codon 1163 of the ADAR protein (p.Leu1163Phe). This variant is not present in population databases (gnomAD no frequency). This variant has not been reported in the literature in individuals affected with ADAR-related conditions. Advanced modeling of protein sequence and biophysical properties (such as structural, functional, and spatial information, amino acid conservation, physicochemical variation, residue mobility, and thermodynamic stability) performed at Invitae indicates that this missense variant is not expected to disrupt ADAR protein function with a negative predictive value of 80%. In summary, the available evidence is currently insufficient to determine the role of this variant in disease. Therefore, it has been classified as a Variant of Uncertain Significance.